The following is an entry in ClinVar:

NM_001621.5(AHR):c.2342C>A (p.Thr781Asn)

Gene: AHR (aryl hydrocarbon receptor; plus strand). Cytogenetic location: 7p21.1.
Variant type: single nucleotide variant.
Coding change: c.2342C>A on transcript NM_001621.5 (MANE Select); coding-DNA position 2342, C replaced by A.
Protein change: p.Thr781Asn; replaces threonine 781 with asparagine.
Molecular consequence: missense variant.
Genome position (GRCh38, 1-based): chr7:17,340,167, C>A. VCF-style: chr7-17340167-C-A. GRCh37 (hg19) VCF-style: chr7-17379791-C-A.
Other names: short protein forms T781N.
Identifiers: ClinVar variation 1394045 (VCV001394045.8), dbSNP rs781710007, ClinGen allele CA4172273.
Genomic context (GRCh38, chr7:17,340,167, plus strand): 5'-CTCAGACATGTTATGCTGGGGCCGTGTCGATGTATCAGTGCCAGCCAGAACCTCAGCACA[C>A]CCACGTGGGTCAGATGCAGTACAATCCAGTACTGCCAGGCCAACAGGCATTTTTAAACAA-3'
Protein context (NP_001612.1, residues 771-791): MYQCQPEPQH[Thr781Asn]HVGQMQYNPV

ClinVar aggregate classification (germline): Uncertain significance. Review status: criteria provided, multiple submitters, no conflicts (2 of 4 stars). 2 submissions from 2 submitters: Uncertain significance (2). Last evaluated 2024-02-24.

Allele frequency attached by ClinVar (database versions not stated): ExAC 0.00001; gnomAD 0.00001 and 0.00002; gnomAD exomes 0.00001.
gnomAD v4.1: 11 of 1,614,066 alleles (0.00068%); highest among the groups gnomAD compares: Admixed American, 0.0033%; no homozygotes.

Submissions (2):

Labcorp Genetics (formerly Invitae), Labcorp
Classification: Uncertain significance. Last evaluated: 2024-02-24. Review status: criteria provided, single submitter. Criteria: Invitae Variant Classification Sherloc (09022015). Collection method: clinical testing. Allele origin: germline.
Comment: This sequence change replaces threonine, which is neutral and polar, with asparagine, which is neutral and polar, at codon 781 of the AHR protein (p.Thr781Asn). This variant is present in population databases (rs781710007, gnomAD 0.002%). This variant has not been reported in the literature in individuals affected with AHR-related conditions. ClinVar contains an entry for this variant (Variation ID: 1394045). An algorithm developed to predict the effect of missense changes on protein structure and function (PolyPhen-2) suggests that this variant is likely to be tolerated. In summary, the available evidence is currently insufficient to determine the role of this variant in disease. Therefore, it has been classified as a Variant of Uncertain Significance.

Breakthrough Genomics
Classification: Uncertain significance. Review status: criteria provided, single submitter. Criteria: ACMG Guidelines, 2015. Collection method: not provided. Allele origin: germline. Inheritance: Autosomal recessive inheritance. Affected: yes.